The following is an entry in ClinVar:

ClinVar aggregate classification (germline): Conflicting classifications of pathogenicity. Review status: criteria provided, conflicting classifications (1 of 4 stars). 4 submissions from 3 submitters: Uncertain significance (2); Likely benign (2). Last evaluated 2026-03-01.

Conditions:
Lethal multiple pterygium syndrome (LMPS). Identifiers: Orphanet 33108, MedGen C1854678, MONDO:0009668, OMIM 253290.
Autosomal recessive multiple pterygium syndrome. Also called: MULTIPLE PTERYGIUM SYNDROME, ESCOBAR VARIANT; PTERYGIUM COLLI SYNDROME; PTERYGIUM SYNDROME; PTERYGIUM UNIVERSALE. Identifiers: Orphanet 2990, MedGen C0265261, MONDO:0009926, OMIM 265000.

Allele frequency attached by ClinVar (database versions not stated): ESP Exome Variant Server 0.00008; 1000 Genomes Project 30x 0.00016; gnomAD 0.00017 and 0.00019; 1000 Genomes Project 0.00020; TOPMed 0.00021.
gnomAD v4.1: 448 of 1,614,104 alleles (0.028%); highest among the groups gnomAD compares: Non-Finnish European, 0.034%; no homozygotes.

Submissions (4):

CeGaT Center for Human Genetics Tuebingen
Classification: Likely benign. Last evaluated: 2026-03-01. Review status: criteria provided, single submitter. Criteria: CeGaT Center For Human Genetics Tuebingen Variant Classification Criteria Version 2. Collection method: clinical testing. Allele origin: germline. Affected: yes. Observed: 1 variant allele.
Comment: CHRNG: BP4, BP7

Labcorp Genetics (formerly Invitae), Labcorp
Classification: Likely benign. Last evaluated: 2026-01-28. Review status: criteria provided, single submitter. Criteria: Invitae Variant Classification Sherloc (09022015). Collection method: clinical testing. Allele origin: germline.

Illumina Laboratory Services, Illumina
Classification: Uncertain significance for Lethal multiple pterygium syndrome. Last evaluated: 2018-01-13. Review status: criteria provided, single submitter. Criteria: ICSL Variant Classification Criteria 13 December 2019. Collection method: clinical testing. Allele origin: germline.

Illumina Laboratory Services, Illumina
Classification: Uncertain significance for Autosomal recessive multiple pterygium syndrome. Last evaluated: 2018-01-13. Review status: criteria provided, single submitter. Criteria: ICSL Variant Classification Criteria 13 December 2019. Collection method: clinical testing. Allele origin: germline.

NM_005199.5(CHRNG):c.426G>A (p.Pro142=)

Gene: CHRNG (cholinergic receptor nicotinic gamma subunit; plus strand). Cytogenetic location: 2q37.1.
Variant type: single nucleotide variant.
Coding change: c.426G>A on transcript NM_005199.5 (MANE Select); coding-DNA position 426, G replaced by A.
Protein change: p.Pro142=; no amino-acid change (proline 142 retained).
Molecular consequence: synonymous variant.
Genome position (GRCh38, 1-based): chr2:232,541,449, G>A. VCF-style: chr2-232541449-G-A. GRCh37 (hg19) VCF-style: chr2-233406159-G-A.
Identifiers: ClinVar variation 896327 (VCV000896327.11), dbSNP rs375894671, ClinGen allele CA2168662.
Genomic context (GRCh38, chr2:232,541,449, plus strand): 5'-CGAGGTGGCCCTCTACTGCAATGTGCTCGTGTCCCCTGACGGCTGTATCTACTGGCTGCC[G>A]CCTGCCATCTTCCGTTCCGCCTGCTCTATCTCAGTCACCTACTTCCCCTTCGACTGGCAG-3'
Protein context (NP_005190.4, residues 132-152): VSPDGCIYWL[Pro142=]PAIFRSACSI